The following is an entry in ClinVar:

NM_001042492.3(NF1):c.4090G>T (p.Val1364Leu)

Gene: NF1 (neurofibromin 1; plus strand). Cytogenetic location: 17q11.2.
Variant type: single nucleotide variant.
Coding change: c.4090G>T on transcript NM_001042492.3 (MANE Select); coding-DNA position 4090, G replaced by T.
Protein change: p.Val1364Leu; replaces valine 1364 with leucine.
Molecular consequence: missense variant.
Genome position (GRCh38, 1-based): chr17:31,249,099, G>T. VCF-style: chr17-31249099-G-T. GRCh37 (hg19) VCF-style: chr17-29576117-G-T.
Other names: c.4090G>T, p.Val1364Leu (NM_000267.4); short protein forms V1364L.
Identifiers: ClinVar variation 3237764 (VCV003237764.1), dbSNP rs749748720.

ClinVar aggregate classification (germline): Uncertain significance (1 of 4 stars; one submission).

Conditions:
Hereditary cancer-predisposing syndrome. Also called: Neoplastic Syndromes, Hereditary; Tumor predisposition; Hereditary neoplastic syndrome; Hereditary Cancer Syndrome. Identifiers: Orphanet 140162, MedGen C0027672, MeSH D009386, MONDO:0015356.
Cardiovascular phenotype. Identifiers: MedGen CN230736.

Submission:

Ambry Genetics
Classification: Uncertain significance for Cardiovascular phenotype; Hereditary cancer-predisposing syndrome. Last evaluated: 2023-05-15. Review status: criteria provided, single submitter. Criteria: Ambry Variant Classification Scheme 2023. Collection method: clinical testing. Allele origin: germline.
Comment: The p.V1364L variant (also known as c.4090G>T), located in coding exon 30 of the NF1 gene, results from a G to T substitution at nucleotide position 4090. The valine at codon 1364 is replaced by leucine, an amino acid with highly similar properties. This amino acid position is highly conserved in available vertebrate species. In addition, this alteration is predicted to be deleterious by in silico analysis. Since supporting evidence is limited at this time, the clinical significance of this alteration remains unclear.